The following is an entry in ClinVar:

NM_004104.5(FASN):c.1436G>T (p.Gly479Val)

Gene: FASN (fatty acid synthase; minus strand). Cytogenetic location: 17q25.3.
Variant type: single nucleotide variant.
Coding change: c.1436G>T on transcript NM_004104.5 (MANE Select); coding-DNA position 1436, G replaced by T.
Protein change: p.Gly479Val; replaces glycine 479 with valine.
Molecular consequence: missense variant.
Genome position (GRCh38, 1-based): chr17:82,091,278, C>A on the plus strand (G>T on the coding strand, the complement: FASN is on the minus strand). VCF-style: chr17-82091278-C-A. GRCh37 (hg19) VCF-style: chr17-80049154-C-A.
Other names: short protein forms G479V.
Identifiers: ClinVar variation 462002 (VCV000462002.47), dbSNP rs149982597, ClinGen allele CA8853166.

ClinVar aggregate classification (germline): Benign/Likely benign. Review status: criteria provided, multiple submitters, no conflicts (2 of 4 stars). 4 submissions from 4 submitters: Benign (1); Likely benign (2). 1 of the submissions does not count toward it. Last evaluated 2026-01-28.

Conditions:
Epileptic encephalopathy. Identifiers: MedGen C0543888, HP:0200134.
FASN-related disorder. Also called: FASN-related condition.

Allele frequency attached by ClinVar (database versions not stated): 1000 Genomes Project 30x 0.00078; 1000 Genomes Project 0.00080; TOPMed 0.00374; gnomAD 0.00443 and 0.00458; gnomAD exomes 0.00444; ExAC 0.00519; ESP Exome Variant Server 0.00581.
gnomAD v4.1: 9,490 of 1,606,734 alleles (0.59%); highest among the groups gnomAD compares: Non-Finnish European, 0.72%; 36 homozygotes.

Submissions (4):

Labcorp Genetics (formerly Invitae), Labcorp
Classification: Benign for Epileptic encephalopathy. Last evaluated: 2026-01-28. Review status: criteria provided, single submitter. Criteria: Invitae Variant Classification Sherloc (09022015). Collection method: clinical testing. Allele origin: germline.

CeGaT Center for Human Genetics Tuebingen
Classification: Likely benign. Last evaluated: 2024-06-01. Review status: criteria provided, single submitter. Criteria: CeGaT Center For Human Genetics Tuebingen Variant Classification Criteria Version 2. Collection method: clinical testing. Allele origin: germline. Affected: yes. Observed: 3 variant alleles.
Comment: FASN: BP4, BS2

Breakthrough Genomics
Classification: Likely benign. Review status: criteria provided, single submitter. Criteria: ACMG Guidelines, 2015. Collection method: not provided. Allele origin: germline. Inheritance: Unknown mechanism. Affected: yes.

PreventionGenetics, part of Exact Sciences
Classification: Likely benign for FASN-related condition. Last evaluated: 2024-01-04. Review status: no assertion criteria provided. Collection method: clinical testing. Allele origin: germline. Not counted in ClinVar's aggregate classification.
Comment: This variant is classified as likely benign based on ACMG/AMP sequence variant interpretation guidelines (Richards et al. 2015 PMID: 25741868, with internal and published modifications).